The following is an entry in ClinVar:

NM_001378964.1(CDON):c.1263T>C (p.Phe421=)

Gene: CDON (cell adhesion associated, oncogene regulated; minus strand). Cytogenetic location: 11q24.2.
Variant type: single nucleotide variant.
Coding change: c.1263T>C on transcript NM_001378964.1 (MANE Select); coding-DNA position 1263, T replaced by C.
Protein change: p.Phe421=; no amino-acid change (phenylalanine 421 retained).
Molecular consequence: synonymous variant.
Genome position (GRCh38, 1-based): chr11:126,010,630, A>G on the plus strand (T>C on the coding strand, the complement: CDON is on the minus strand). VCF-style: chr11-126010630-A-G. GRCh37 (hg19) VCF-style: chr11-125880525-A-G.
Other names: c.1263T>C, p.Phe421= (NM_001243597.3, NM_016952.6).
Identifiers: ClinVar variation 698217 (VCV000698217.17), dbSNP rs191544852, ClinGen allele CA6352069.
Genomic context (GRCh38, chr11:126,010,630, plus strand): 5'-GCTGTCATACCAACGAATGACCGGAACCGGCAGCCCACTGGCATTGCAGGACAGAGTAAC[A>G]AAGTCTCCGTCTGCAACCTTTGCACTTACTGGTGCCGTAATTATAACTGGCTTGAATCCA-3'
Protein context (NP_001365893.1, residues 411-431): PVSAKVADGD[Phe421=]VTLSCNASGL

ClinVar aggregate classification (germline): Likely benign. Review status: criteria provided, multiple submitters, no conflicts (2 of 4 stars). 3 submissions from 3 submitters: Likely benign (3). Last evaluated 2026-01-19.

Conditions:
Holoprosencephaly 11 (HPE11). Identifiers: Orphanet 2162, MedGen C3280215, MONDO:0013642, OMIM 614226.

Allele frequency attached by ClinVar (database versions not stated): gnomAD exomes 0.00004 and 0.00011; ExAC 0.00012; 1000 Genomes Project 0.00040; ESP Exome Variant Server 0.00046; 1000 Genomes Project 30x 0.00047; gnomAD 0.00050 and 0.00056; TOPMed 0.00053.
gnomAD v4.1: 139 of 1,614,188 alleles (0.0086%); highest among the groups gnomAD compares: African/African-American, 0.17%; no homozygotes.

Submissions (3):

Labcorp Genetics (formerly Invitae), Labcorp
Classification: Likely benign for Holoprosencephaly 11. Last evaluated: 2026-01-19. Review status: criteria provided, single submitter. Criteria: Invitae Variant Classification Sherloc (09022015). Collection method: clinical testing. Allele origin: germline.

ARUP Laboratories, Molecular Genetics and Genomics, ARUP Laboratories
Classification: Likely benign for Holoprosencephaly 11. Last evaluated: 2019-10-26. Review status: criteria provided, single submitter. Criteria: ARUP Molecular Germline Variant Investigation Process. Collection method: clinical testing. Allele origin: germline.

Illumina Laboratory Services, Illumina
Classification: Likely benign for Holoprosencephaly 11. Last evaluated: 2018-01-13. Review status: criteria provided, single submitter. Criteria: ICSL Variant Classification Criteria 13 December 2019. Collection method: clinical testing. Allele origin: germline.
Comment: This variant was observed in the ICSL laboratory as part of a predisposition screen in an ostensibly healthy population. It had not been previously curated by ICSL or reported in the Human Gene Mutation Database (HGMD: prior to June 1st, 2018), and was therefore a candidate for classification through an automated scoring system. Utilizing variant allele frequency, disease prevalence and penetrance estimates, and inheritance mode, an automated score was calculated to assess if this variant is too frequent to cause the disease. Based on the score and internal cut-off values, a variant classified as likely benign is not then subjected to further curation. The score for this variant resulted in a classification of likely benign for this disease.